The following is an entry in ClinVar:

ClinVar aggregate classification (germline): Uncertain significance (1 of 4 stars; one submission).

Submission:

Ambry Genetics
Classification: Uncertain significance. Last evaluated: 2023-11-10. Review status: criteria provided, single submitter. Criteria: Ambry Variant Classification Scheme 2023. Collection method: clinical testing. Allele origin: germline.
Comment: The p.M17I variant (also known as c.51G>T), located in coding exon 1 of the PALLD gene, results from a G to T substitution at nucleotide position 51. The methionine at codon 17 is replaced by isoleucine, an amino acid with highly similar properties. This amino acid position is conserved. In addition, this alteration is predicted to be tolerated by in silico analysis. Since supporting evidence is limited at this time, the clinical significance of this alteration remains unclear.

NM_001166108.2(PALLD):c.51G>T (p.Met17Ile)

Gene: PALLD (palladin, cytoskeletal associated protein; plus strand). Cytogenetic location: 4q32.3.
Variant type: single nucleotide variant.
Coding change: c.51G>T on transcript NM_001166108.2 (MANE Select); coding-DNA position 51, G replaced by T.
Protein change: p.Met17Ile; replaces methionine 17 with isoleucine.
Molecular consequence: missense variant.
Genome position (GRCh38, 1-based): chr4:168,511,555, G>T. VCF-style: chr4-168511555-G-T. GRCh37 (hg19) VCF-style: chr4-169432706-G-T.
Other names: c.51G>T, p.Met17Ile (NM_016081.4); short protein forms M17I.
Identifiers: ClinVar variation 1746030 (VCV001746030.2), dbSNP rs1762530827, ClinGen allele CA358724110.